The following is an entry in ClinVar:

ClinVar aggregate classification (germline): Benign (0 of 4 stars; one submission).

Conditions:
SUCO-related disorder. Also called: SUCO-related condition.

Submission:

PreventionGenetics, part of Exact Sciences
Classification: Benign for SUCO-related condition. Last evaluated: 2019-11-14. Review status: no assertion criteria provided. Collection method: clinical testing. Allele origin: germline.
Comment: This variant is classified as benign based on ACMG/AMP sequence variant interpretation guidelines (Richards et al. 2015 PMID: 25741868, with internal and published modifications).

NM_014283.5(SUCO):c.3266-10_3266-9dup

Gene: SUCO (SUN domain containing ossification factor; plus strand). Cytogenetic location: 1q24.3.
Variant type: Duplication.
Coding change: c.3266-10_3266-9dup on transcript NM_014283.5 (MANE Select); 10 bases into the intron before coding-DNA position 3266 through 9 bases into the intron before coding-DNA position 3266, 2 bases duplicated (TT; older notation c.3266-10_3266-9dupTT).
Molecular consequence: intron variant.
Genome position (GRCh38, 1-based): chr1:172,608,737-172,608,738, TT duplicated; duplicating any 2 consecutive bases within chr1:172,608,725-172,608,738 gives the same sequence; the c. name uses the placement nearest the transcript's 3' end. VCF-style (leftmost placement, unchanged base first): chr1-172608724-C-CTT. GRCh37 (hg19) VCF-style: chr1-172577864-C-CTT.
Other names: c.3719-10_3719-9dup (NM_016227.4); c.1577-10_1577-9dup (NM_001282751.2); c.2153-10_2153-9dup (NM_001282750.2).
Identifiers: ClinVar variation 3038530 (VCV003038530.2), dbSNP rs372623434, ClinGen allele CA1247305.